The following is an entry in ClinVar:

NM_207037.2(TCF12):c.880A>G (p.Met294Val)

Gene: TCF12 (transcription factor 12; plus strand). Cytogenetic location: 15q21.3.
Variant type: single nucleotide variant.
Coding change: c.880A>G on transcript NM_207037.2 (MANE Select); coding-DNA position 880, A replaced by G.
Protein change: p.Met294Val; replaces methionine 294 with valine.
Molecular consequence: missense variant.
Genome position (GRCh38, 1-based): chr15:57,232,766, A>G. VCF-style: chr15-57232766-A-G. GRCh37 (hg19) VCF-style: chr15-57524964-A-G.
Other names: c.880A>G (NM_207037.1); c.370A>G, p.Met124Val (NM_001306219.3, NM_207040.2); c.172A>G, p.Met58Val (NM_001306220.3); c.880A>G, p.Met294Val (NM_001322151.2, NM_001322152.2, NM_001322157.3 and 7 more transcripts); c.223A>G, p.Met75Val (NM_001322154.2); c.706A>G, p.Met236Val (NM_001322156.2, NM_001322158.2); c.916A>G, p.Met306Val (NM_001322164.2); short protein forms M236V, M294V, M306V, M124V, M58V, M75V.
Identifiers: ClinVar variation 807263 (VCV000807263.43), dbSNP rs148879126, ClinGen allele CA270916235.

ClinVar aggregate classification (germline): Uncertain significance. Review status: criteria provided, multiple submitters, no conflicts (2 of 4 stars). 2 submissions from 2 submitters: Uncertain significance (2). Last evaluated 2026-03-27.

Conditions:
Inborn genetic diseases. Identifiers: MedGen C0950123, MeSH D030342.

Allele frequency attached by ClinVar (database versions not stated): gnomAD exomes below 0.00001 and 0.00001; ESP Exome Variant Server 0.00008.
gnomAD v4.1: 20 of 1,612,050 alleles (0.0012%); highest among the groups gnomAD compares: East Asian, 0.0089%; no homozygotes.

Submissions (2):

Ambry Genetics
Classification: Uncertain significance for Inborn genetic diseases. Last evaluated: 2026-03-27. Review status: criteria provided, single submitter. Criteria: Ambry Variant Classification Scheme 2023. Collection method: clinical testing. Allele origin: germline.
Comment: The c.880A>G (p.M294V) alteration is located in exon 11 (coding exon 10) of the TCF12 gene. This alteration results from a A to G substitution at nucleotide position 880, causing the methionine (M) at amino acid position 294 to be replaced by a valine (V). Based on data from gnomAD, the G allele has an overall frequency of <0.001% (1/249744) total alleles studied. The highest observed frequency was 0.001% (1/112906) of European (non-Finnish) alleles. Based on insufficient or conflicting evidence, the clinical significance of this alteration remains unclear.

CeGaT Center for Human Genetics Tuebingen
Classification: Uncertain significance. Last evaluated: 2018-03-01. Review status: criteria provided, single submitter. Criteria: CeGaT Center For Human Genetics Tuebingen Variant Classification Criteria Version 2. Collection method: clinical testing. Allele origin: germline. Affected: yes. Observed: 1 variant allele.